The following is an entry in ClinVar:

ClinVar aggregate classification (germline): Uncertain significance. Review status: criteria provided, multiple submitters, no conflicts (2 of 4 stars). 4 submissions from 4 submitters: Uncertain significance (3). 1 of the submissions does not count toward it. Last evaluated 2024-10-25.

Conditions:
Inborn genetic diseases. Identifiers: MedGen C0950123, MeSH D030342.
Retinitis pigmentosa 25 (RP25). Identifiers: Orphanet 791, MedGen C1864446, MONDO:0011272, OMIM 602772.

Allele frequency attached by ClinVar (database versions not stated): gnomAD 0.00001; TOPMed 0.00001.
gnomAD v4.1: 6 of 1,610,152 alleles (0.00037%); highest among the groups gnomAD compares: Admixed American, 0.0084%; no homozygotes.

Submissions (4):

Labcorp Genetics (formerly Invitae), Labcorp
Classification: Uncertain significance. Last evaluated: 2024-10-25. Review status: criteria provided, single submitter. Criteria: Invitae Variant Classification Sherloc (09022015). Collection method: clinical testing. Allele origin: germline.
Comment: This sequence change replaces threonine, which is neutral and polar, with proline, which is neutral and non-polar, at codon 531 of the EYS protein (p.Thr531Pro). This variant is present in population databases (no rsID available, gnomAD 0.009%). This variant has not been reported in the literature in individuals affected with EYS-related conditions. ClinVar contains an entry for this variant (Variation ID: 840209). Invitae Evidence Modeling of protein sequence and biophysical properties (such as structural, functional, and spatial information, amino acid conservation, physicochemical variation, residue mobility, and thermodynamic stability) indicates that this missense variant is not expected to disrupt EYS protein function with a negative predictive value of 80%. In summary, the available evidence is currently insufficient to determine the role of this variant in disease. Therefore, it has been classified as a Variant of Uncertain Significance.

Ambry Genetics
Classification: Uncertain significance for Inborn genetic diseases. Last evaluated: 2023-06-23. Review status: criteria provided, single submitter. Criteria: Ambry Variant Classification Scheme 2023. Collection method: clinical testing. Allele origin: germline.

Blueprint Genetics
Classification: Uncertain significance. Last evaluated: 2022-09-05. Review status: criteria provided, single submitter. Criteria: ACMG Guidelines, 2015. Collection method: clinical testing. Allele origin: germline.

Natera, Inc.
Classification: Uncertain significance for Retinitis pigmentosa type 25. Last evaluated: 2020-02-13. Review status: no assertion criteria provided. Collection method: clinical testing. Allele origin: germline. Not counted in ClinVar's aggregate classification.

NM_001142800.2(EYS):c.1591A>C (p.Thr531Pro)

Gene: EYS (EGF-like photoreceptor maintenance factor; minus strand). Cytogenetic location: 6q12.
Variant type: single nucleotide variant.
Coding change: c.1591A>C on transcript NM_001142800.2 (MANE Select); coding-DNA position 1591, A replaced by C.
Protein change: p.Thr531Pro; replaces threonine 531 with proline.
Molecular consequence: missense variant.
Genome position (GRCh38, 1-based): chr6:65,344,046, T>G on the plus strand (A>C on the coding strand, the complement: EYS is on the minus strand). VCF-style: chr6-65344046-T-G. GRCh37 (hg19) VCF-style: chr6-66053939-T-G.
Other names: c.1591A>C, p.Thr531Pro (NM_001142801.2, NM_001292009.2, NM_198283.2); short protein forms T531P.
Identifiers: ClinVar variation 840209 (VCV000840209.8), dbSNP rs1260633321, ClinGen allele CA364661304.